The following is an entry in ClinVar:

ClinVar aggregate classification (germline): Uncertain significance. Review status: criteria provided, multiple submitters, no conflicts (2 of 4 stars). 2 submissions from 2 submitters: Uncertain significance (2). Last evaluated 2025-07-17.

Conditions:
Hereditary cancer-predisposing syndrome. Also called: Hereditary Cancer Syndrome; Hereditary neoplastic syndrome; Tumor predisposition; Neoplastic Syndromes, Hereditary. Identifiers: Orphanet 140162, MedGen C0027672, MeSH D009386, MONDO:0015356.
Neuroblastoma, susceptibility to, 3. Also called: ALK-Related Neuroblastic Tumor Susceptibility. Identifiers: Orphanet 635, MedGen C2751681, MONDO:0013083, OMIM 613014.

Submissions (2):

Labcorp Genetics (formerly Invitae), Labcorp
Classification: Uncertain significance for Neuroblastoma, susceptibility to, 3. Last evaluated: 2025-07-17. Review status: criteria provided, single submitter. Criteria: Invitae Variant Classification Sherloc (09022015). Collection method: clinical testing. Allele origin: germline.
Comment: This sequence change replaces glutamine, which is neutral and polar, with arginine, which is basic and polar, at codon 1369 of the ALK protein (p.Gln1369Arg). This variant is not present in population databases (gnomAD no frequency). This variant has not been reported in the literature in individuals affected with ALK-related conditions. ClinVar contains an entry for this variant (Variation ID: 1360839). An algorithm developed to predict the effect of missense changes on protein structure and function (PolyPhen-2) suggests that this variant is likely to be tolerated. In summary, the available evidence is currently insufficient to determine the role of this variant in disease. Therefore, it has been classified as a Variant of Uncertain Significance.

Ambry Genetics
Classification: Uncertain significance for Hereditary cancer-predisposing syndrome. Last evaluated: 2023-02-25. Review status: criteria provided, single submitter. Criteria: Ambry Variant Classification Scheme 2023. Collection method: clinical testing. Allele origin: germline.
Comment: The p.Q1369R variant (also known as c.4106A>G), located in coding exon 28 of the ALK gene, results from an A to G substitution at nucleotide position 4106. The glutamine at codon 1369 is replaced by arginine, an amino acid with highly similar properties. This amino acid position is conserved. In addition, the in silico prediction for this alteration is inconclusive. Since supporting evidence is limited at this time, the clinical significance of this alteration remains unclear.

NM_004304.5(ALK):c.4106A>G (p.Gln1369Arg)

Gene: ALK (ALK receptor tyrosine kinase; minus strand). Cytogenetic location: 2p23.2.
Variant type: single nucleotide variant.
Coding change: c.4106A>G on transcript NM_004304.5 (MANE Select); coding-DNA position 4106, A replaced by G.
Protein change: p.Gln1369Arg; replaces glutamine 1369 with arginine.
Molecular consequence: missense variant.
Genome position (GRCh38, 1-based): chr2:29,196,828, T>C on the plus strand (A>G on the coding strand, the complement: ALK is on the minus strand). VCF-style: chr2-29196828-T-C. GRCh37 (hg19) VCF-style: chr2-29419694-T-C.
Other names: c.4106A>G (NM_004304.4); c.902A>G, p.Gln301Arg (NM_001353765.2); short protein forms Q1369R, Q301R.
Identifiers: ClinVar variation 1360839 (VCV001360839.9), dbSNP rs2148141895, ClinGen allele CA346465236.